The following is an entry in ClinVar:

NM_000465.4(BARD1):c.2112T>C (p.Ser704=)

Gene: BARD1 (BRCA1 associated RING domain 1; minus strand). Cytogenetic location: 2q35.
Variant type: single nucleotide variant.
Coding change: c.2112T>C on transcript NM_000465.4 (MANE Select); coding-DNA position 2112, T replaced by C.
Protein change: p.Ser704=; no amino-acid change (serine 704 retained).
Molecular consequence: synonymous variant. On other transcripts: non-coding transcript variant (3).
Genome position (GRCh38, 1-based): chr2:214,728,898, A>G on the plus strand (T>C on the coding strand, the complement: BARD1 is on the minus strand). VCF-style: chr2-214728898-A-G. GRCh37 (hg19) VCF-style: chr2-215593622-A-G.
Other names: c.2055T>C, p.Ser685= (NM_001282543.2); c.759T>C, p.Ser253= (NM_001282545.2); c.702T>C, p.Ser234= (NM_001282548.2); c.573T>C, p.Ser191= (NM_001282549.2).
Identifiers: ClinVar variation 3378725 (VCV003378725.1).
Genomic context (GRCh38, chr2:214,728,898, plus strand): 5'-CGCATGGTATGCGACTGTATTGATGGTCTGAGTCACGTCACTGTCTGGCTTGGGCTTTCT[A>G]CTGAGGATCTGGCCCCCACCTGCAGTGACGAGCTTAATAAGGTTGTCCTTTGGATGGTGT-3'
Protein context (NP_000456.2, residues 694-714): LVTAGGGQIL[Ser704=]RKPKPDSDVT

ClinVar aggregate classification (germline): Benign (1 of 4 stars; one submission).

Conditions:
Familial cancer of breast. Also called: hereditary breast carcinoma; Hereditary breast cancer; BREAST CANCER, FAMILIAL. Identifiers: Orphanet 227535, MedGen C0346153, MONDO:0016419, OMIM 114480. Disease mechanism: loss of function.

Submission:

Myriad Genetics, Inc.
Classification: Benign for Familial cancer of breast. Last evaluated: 2024-07-29. Review status: criteria provided, single submitter. Criteria: Myriad Autosomal Dominant, Autosomal Recessive and X-Linked Classification Criteria (2023). Collection method: clinical testing. Allele origin: unknown.
Comment: This variant is considered benign. This variant is a silent/synonymous amino acid change and it is not expected to impact splicing.